The following is an entry in ClinVar:

NM_001378778.1(MPDZ):c.25C>T (p.Arg9Trp)

Gene: MPDZ (multiple PDZ domain crumbs cell polarity complex component; minus strand). Cytogenetic location: 9p23.
Variant type: single nucleotide variant.
Coding change: c.25C>T on transcript NM_001378778.1 (MANE Select); coding-DNA position 25, C replaced by T.
Protein change: p.Arg9Trp; replaces arginine 9 with tryptophan.
Molecular consequence: missense variant.
Genome position (GRCh38, 1-based): chr9:13,247,793, G>A on the plus strand (C>T on the coding strand, the complement: MPDZ is on the minus strand). VCF-style: chr9-13247793-G-A. GRCh37 (hg19) VCF-style: chr9-13247792-G-A.
Other names: c.25C>T, p.Arg9Trp (NM_001261406.2, NM_001261407.2, NM_001330637.2 and 14 more transcripts); c.25C>T (NM_003829.3); short protein forms R9W.
Identifiers: ClinVar variation 1439211 (VCV001439211.7), dbSNP rs777301563, ClinGen allele CA4988263.

ClinVar aggregate classification (germline): Uncertain significance. Review status: criteria provided, multiple submitters, no conflicts (2 of 4 stars). 3 submissions from 3 submitters: Uncertain significance (3). Last evaluated 2024-08-29.

Conditions:
Inborn genetic diseases. Identifiers: MedGen C0950123, MeSH D030342.

gnomAD v4.1: 66 of 1,602,026 alleles (0.0041%); highest among the groups gnomAD compares: Middle Eastern, 0.033%; 1 homozygote.

Submissions (3):

Blueprint Genetics
Classification: Uncertain significance. Last evaluated: 2024-08-29. Review status: criteria provided, single submitter. Criteria: ACMG Guidelines, 2015. Collection method: clinical testing. Allele origin: germline.

Ambry Genetics
Classification: Uncertain significance for Inborn genetic diseases. Last evaluated: 2022-12-19. Review status: criteria provided, single submitter. Criteria: Ambry Variant Classification Scheme 2023. Collection method: clinical testing. Allele origin: germline.

Labcorp Genetics (formerly Invitae), Labcorp
Classification: Uncertain significance. Last evaluated: 2022-08-16. Review status: criteria provided, single submitter. Criteria: Invitae Variant Classification Sherloc (09022015). Collection method: clinical testing. Allele origin: germline.
Comment: This sequence change replaces arginine, which is basic and polar, with tryptophan, which is neutral and slightly polar, at codon 9 of the MPDZ protein (p.Arg9Trp). This variant is present in population databases (rs777301563, gnomAD 0.01%). This variant has not been reported in the literature in individuals affected with MPDZ-related conditions. ClinVar contains an entry for this variant (Variation ID: 1439211). Algorithms developed to predict the effect of missense changes on protein structure and function (SIFT, PolyPhen-2, Align-GVGD) all suggest that this variant is likely to be disruptive. In summary, the available evidence is currently insufficient to determine the role of this variant in disease. Therefore, it has been classified as a Variant of Uncertain Significance.